The following is an entry in ClinVar:

NM_002711.4(PPP1R3A):c.2645T>A (p.Leu882His)

Gene: PPP1R3A (protein phosphatase 1 regulatory subunit 3A; minus strand). Cytogenetic location: 7q31.1.
Variant type: single nucleotide variant.
Coding change: c.2645T>A on transcript NM_002711.4 (MANE Select); coding-DNA position 2645, T replaced by A.
Protein change: p.Leu882His; replaces leucine 882 with histidine.
Molecular consequence: missense variant.
Genome position (GRCh38, 1-based): chr7:113,878,447, A>T on the plus strand (T>A on the coding strand, the complement: PPP1R3A is on the minus strand). VCF-style: chr7-113878447-A-T. GRCh37 (hg19) VCF-style: chr7-113518502-A-T.
Other names: short protein forms L882H.
Identifiers: ClinVar variation 1231102 (VCV001231102.8), dbSNP rs2974938, ClinGen allele CA4445035.

ClinVar aggregate classification (germline): Benign. Review status: criteria provided, multiple submitters, no conflicts (2 of 4 stars). 4 submissions from 4 submitters: Benign (3). 1 of the submissions does not count toward it. Last evaluated 2021-10-25.

Conditions:
Type 2 diabetes mellitus. Also called: Type II diabetes mellitus. Identifiers: MedGen C0011860, MeSH D003924, MONDO:0005148, OMIM 125853, HP:0005978.
PPP1R3A-related disorder. Also called: PPP1R3A-related condition.

Allele frequency attached by ClinVar (database versions not stated): 1000 Genomes Project 30x 0.96705; ESP Exome Variant Server 0.96863; TOPMed 0.96955; 1000 Genomes Project 0.96985; gnomAD 0.97161 and 0.97319; ExAC 0.99001.
gnomAD v4.1: 1,602,223 of 1,612,496 alleles (99%); highest among the groups gnomAD compares: East Asian, 100%; 796,312 homozygotes.

Submissions (4):

Genome-Nilou Lab
Classification: Benign for Type 2 diabetes mellitus. Last evaluated: 2021-10-25. Review status: criteria provided, single submitter. Criteria: ACMG Guidelines, 2015. Collection method: clinical testing. Allele origin: germline. Affected: no.

GeneDx
Classification: Benign. Last evaluated: 2021-06-09. Review status: criteria provided, single submitter. Criteria: GeneDx Variant Classification Process June 2021. Collection method: clinical testing. Allele origin: germline. Affected: yes.

Breakthrough Genomics
Classification: Benign. Review status: criteria provided, single submitter. Criteria: ACMG Guidelines, 2015. Collection method: not provided. Allele origin: germline. Inheritance: Autosomal dominant inheritance. Affected: yes.

PreventionGenetics, part of Exact Sciences
Classification: Benign for PPP1R3A-related condition. Last evaluated: 2019-10-29. Review status: no assertion criteria provided. Collection method: clinical testing. Allele origin: germline. Not counted in ClinVar's aggregate classification.
Comment: This variant is classified as benign based on ACMG/AMP sequence variant interpretation guidelines (Richards et al. 2015 PMID: 25741868, with internal and published modifications).